The following is an entry in ClinVar:

NM_005902.4(SMAD3):c.1052T>G (p.Leu351Arg)

Gene: SMAD3 (SMAD family member 3; plus strand). Cytogenetic location: 15q22.33.
Variant type: single nucleotide variant.
Coding change: c.1052T>G on transcript NM_005902.4 (MANE Select); coding-DNA position 1052, T replaced by G.
Protein change: p.Leu351Arg; replaces leucine 351 with arginine.
Molecular consequence: missense variant.
Genome position (GRCh38, 1-based): chr15:67,187,407, T>G. VCF-style: chr15-67187407-T-G. GRCh37 (hg19) VCF-style: chr15-67479745-T-G.
Other names: c.737T>G, p.Leu246Arg (NM_001145102.2, NM_001407016.1); c.920T>G, p.Leu307Arg (NM_001145103.2, NM_001407012.1); c.467T>G, p.Leu156Arg (NM_001145104.2, NM_001407017.1); c.1163T>G, p.Leu388Arg (NM_001407011.1); c.914T>G, p.Leu305Arg (NM_001407013.1); c.905T>G, p.Leu302Arg (NM_001407014.1); c.605T>G, p.Leu202Arg (NM_001407015.1); short protein forms L156R, L202R, L246R, L302R, L305R, L307R, L351R, L388R.
Identifiers: ClinVar variation 3386017 (VCV003386017.2).
Genomic context (GRCh38, chr15:67,187,407, plus strand): 5'-TTTCTGTGTTTTTGGCAGGATGCAACCTGAAGATCTTCAACAACCAGGAGTTCGCTGCCC[T>G]CCTGGCCCAGTCGGTCAACCAGGGCTTTGAGGCTGTCTACCAGTTGACCCGAATGTGCAC-3'
Protein context (NP_005893.1, residues 341-361): KIFNNQEFAA[Leu351Arg]LAQSVNQGFE

ClinVar aggregate classification (germline): Uncertain significance. Review status: criteria provided, multiple submitters, no conflicts (2 of 4 stars). 2 submissions from 2 submitters: Uncertain significance (2). Last evaluated 2024-05-30.

Conditions:
Familial thoracic aortic aneurysm and aortic dissection (TAAD). Also called: Thoracic aortic aneurysms and dissections. Identifiers: Orphanet 91387, MedGen C4707243, MONDO:0019625.
Aneurysm-osteoarthritis syndrome. Also called: LOEYS-DIETZ SYNDROME WITH OSTEOARTHRITIS; SMAD3-Related Loeys-Dietz Syndrome; ANEURYSMS-OSTEOARTHRITIS SYNDROME; Loeys-Dietz syndrome, type 1C. Identifiers: Orphanet 284984, MedGen C3151087, MONDO:0013426, OMIM 613795.

Submissions (2):

All of Us Research Program, National Institutes of Health
Classification: Uncertain significance for Aneurysm-osteoarthritis syndrome. Last evaluated: 2024-05-30. Review status: criteria provided, single submitter. Criteria: ACMG Guidelines, 2015. Collection method: clinical testing. Allele origin: germline. Inheritance: Autosomal dominant inheritance. Observed: 1 variant allele, 1 heterozygote.
Comment: This missense variant replaces leucine with arginine at codon 351 of the SMAD3 protein. Computational prediction suggests that this variant may have deleterious impact on protein structure and function (internally defined REVEL score threshold >= 0.7, PMID: 27666373). To our knowledge, functional studies have not been reported for this variant. This variant has not been reported in individuals affected with SMAD3-related disorders in the literature. This variant has not been identified in the general population by the Genome Aggregation Database (gnomAD). The available evidence is insufficient to determine the role of this variant in disease conclusively. Therefore, this variant is classified as a Variant of Uncertain Significance.

This study involves interpretation of variants in research participants for the purpose of population health screening. Participant phenotype was not available at the time of variant classification. Additional details can be found in publication PMID: 35346344, PMCID: PMC8962531

Color Diagnostics, LLC DBA Color Health
Classification: Uncertain significance for Familial thoracic aortic aneurysm and aortic dissection. Last evaluated: 2024-05-07. Review status: criteria provided, single submitter. Criteria: ACMG Guidelines, 2015. Collection method: clinical testing. Allele origin: germline.
Comment: This missense variant replaces leucine with arginine at codon 351 of the SMAD3 protein. Computational prediction suggests that this variant may have deleterious impact on protein structure and function (internally defined REVEL score threshold >= 0.7, PMID: 27666373). To our knowledge, functional studies have not been reported for this variant. This variant has not been reported in individuals affected with SMAD3-related disorders in the literature. This variant has not been identified in the general population by the Genome Aggregation Database (gnomAD). The available evidence is insufficient to determine the role of this variant in disease conclusively. Therefore, this variant is classified as a Variant of Uncertain Significance.